The following is an entry in ClinVar:

NM_006329.4(FBLN5):c.212G>A (p.Arg71Gln)

Gene: FBLN5 (fibulin 5; minus strand). Cytogenetic location: 14q32.12.
Variant type: single nucleotide variant.
Coding change: c.212G>A on transcript NM_006329.4 (MANE Select); coding-DNA position 212, G replaced by A.
Protein change: p.Arg71Gln; replaces arginine 71 with glutamine.
Molecular consequence: missense variant.
Genome position (GRCh38, 1-based): chr14:91,937,114, C>T on the plus strand (G>A on the coding strand, the complement: FBLN5 is on the minus strand). VCF-style: chr14-91937114-C-T. GRCh37 (hg19) VCF-style: chr14-92403458-C-T.
Other names: c.335G>A, p.Arg112Gln (NM_001384158.1); c.263G>A, p.Arg88Gln (NM_001384159.1); c.212G>A, p.Arg71Gln (NM_001384160.1); c.44G>A, p.Arg15Gln (NM_001384161.1, NM_001384162.1); c.212G>A (NM_006329.3); short protein forms R71Q, R112Q, R15Q, R88Q.
Identifiers: ClinVar variation 5478 (VCV000005478.10), dbSNP rs121434300, ClinGen allele CA213138.
Genomic context (GRCh38, chr14:91,937,114, plus strand): 5'-GGACCTGAGTAGGGGGTCGAGTAGGGGTTCGAGTAGGGCCCTCGATACACAGGGTTTGTC[C>T]GGGGAATGCATAAATACCCGCCATTTTGGTTAACACACATCATGTCTCCTCGGCAGGCCT-3'
Protein context (NP_006320.2, residues 61-81): NQNGGYLCIP[Arg71Gln]TNPVYRGPYS

ClinVar aggregate classification (germline): Uncertain significance. Review status: criteria provided, multiple submitters, no conflicts (2 of 4 stars). 4 submissions from 4 submitters: Uncertain significance (2). 2 of the submissions do not count toward it. Last evaluated 2025-09-15.

Conditions:
Age-related macular degeneration (ARMD). Also called: MACULAR DEGENERATION, AGE-RELATED, REDUCED RISK OF. Identifiers: MedGen C0242383, MONDO:0005150.
Macular degeneration, age-related, 3 (ARMD3). Identifiers: Orphanet 280598, MedGen C1837187, MONDO:0012145, OMIM 608895.

Allele frequency attached by ClinVar (database versions not stated): ExAC 0.00001; gnomAD 0.00001 and 0.00002; TOPMed 0.00001; gnomAD exomes 0.00002.
gnomAD v4.1: 31 of 1,613,846 alleles (0.0019%); highest among the groups gnomAD compares: African/African-American, 0.0027%; no homozygotes.

Submissions (4):

Labcorp Genetics (formerly Invitae), Labcorp
Classification: Uncertain significance. Last evaluated: 2025-09-15. Review status: criteria provided, single submitter. Criteria: Invitae Variant Classification Sherloc (09022015). Collection method: clinical testing. Allele origin: germline.
Comment: This sequence change replaces arginine, which is basic and polar, with glutamine, which is neutral and polar, at codon 71 of the FBLN5 protein (p.Arg71Gln). This variant is present in population databases (rs121434300, gnomAD 0.005%). This missense change has been observed in individual(s) with age-related macular degeneration (PMID: 15269314). ClinVar contains an entry for this variant (Variation ID: 5478). An algorithm developed to predict the effect of missense changes on protein structure and function (PolyPhen-2) suggests that this variant is likely to be disruptive. Experimental studies have shown that this missense change does not substantially affect FBLN5 function (PMID: 20007835). In summary, the available evidence is currently insufficient to determine the role of this variant in disease. Therefore, it has been classified as a Variant of Uncertain Significance.

Laboratory of Medical Genetics, National & Kapodistrian University of Athens
Classification: Uncertain significance for Macular degeneration, age-related, 3. Last evaluated: 2021-10-06. Review status: criteria provided, single submitter. Criteria: ACMG Guidelines, 2015. Collection method: clinical testing. Allele origin: unknown.
Comment: PM2, PP3, PP5

Inherited Neuropathy Consortium Ii, University Of Miami
Classification: Uncertain significance. Last evaluated: 2016-01-06. Review status: no assertion criteria provided. Collection method: literature only. Allele origin: germline. Affected: yes. Not counted in ClinVar's aggregate classification.

OMIM
Classification: Pathogenic for MACULAR DEGENERATION, AGE-RELATED, 3. Last evaluated: 2004-07-22. Review status: no assertion criteria provided. Collection method: literature only. Allele origin: germline. Not counted in ClinVar's aggregate classification.

Literature cited by the submitters: PubMed 15269314 (cited by 3 submitters); PubMed 20007835 (cited by Labcorp Genetics (formerly Invitae), Labcorp).